The following is an entry in ClinVar:

NM_003265.3(TLR3):c.2243A>G (p.Asp748Gly)

Gene: TLR3 (toll like receptor 3; plus strand). Cytogenetic location: 4q35.1.
Variant type: single nucleotide variant.
Coding change: c.2243A>G on transcript NM_003265.3 (MANE Select); coding-DNA position 2243, A replaced by G.
Protein change: p.Asp748Gly; replaces aspartic acid 748 with glycine.
Molecular consequence: missense variant.
Genome position (GRCh38, 1-based): chr4:186,083,929, A>G. VCF-style: chr4-186083929-A-G. GRCh37 (hg19) VCF-style: chr4-187005083-A-G.
Other names: short protein forms D748G.
Identifiers: ClinVar variation 4718523 (VCV004718523.1).

ClinVar aggregate classification (germline): Uncertain significance (1 of 4 stars; one submission).

Conditions:
Encephalopathy, acute, infection-induced (herpes-specific), susceptibility to, 1. Also called: Herpes simplex encephalitis, susceptibility to, 1. Identifiers: Orphanet 1930, MedGen C2750180, MONDO:0024563, OMIM 610551.

gnomAD v4.1: 4 of 1,614,054 alleles (0.00025%); highest among the groups gnomAD compares: Admixed American, 0.0067%; no homozygotes.

Submission:

Labcorp Genetics (formerly Invitae), Labcorp
Classification: Uncertain significance for Encephalopathy, acute, infection-induced (herpes-specific), susceptibility to, 1. Last evaluated: 2025-10-09. Review status: criteria provided, single submitter. Criteria: Invitae Variant Classification Sherloc (09022015). Collection method: clinical testing. Allele origin: germline.
Comment: This sequence change replaces aspartic acid, which is acidic and polar, with glycine, which is neutral and non-polar, at codon 748 of the TLR3 protein (p.Asp748Gly). This variant is present in population databases (rs778610624, gnomAD 0.009%). This variant has not been reported in the literature in individuals affected with TLR3-related conditions. An algorithm developed to predict the effect of missense changes on protein structure and function (PolyPhen-2) suggests that this variant is likely to be tolerated. In summary, the available evidence is currently insufficient to determine the role of this variant in disease. Therefore, it has been classified as a Variant of Uncertain Significance.